The following is an entry in ClinVar:

ClinVar aggregate classification (germline): Pathogenic (1 of 4 stars; one submission).

Submission:

Labcorp Genetics (formerly Invitae), Labcorp
Classification: Pathogenic. Last evaluated: 2023-12-14. Review status: criteria provided, single submitter. Criteria: Invitae Variant Classification Sherloc (09022015). Collection method: clinical testing. Allele origin: germline.
Comment: This sequence change creates a premature translational stop signal (p.Pro52Leufs*13) in the LAMB3 gene. It is expected to result in an absent or disrupted protein product. Loss-of-function variants in LAMB3 are known to be pathogenic (PMID: 11023379, 16473856). This variant is not present in population databases (gnomAD no frequency). This variant has not been reported in the literature in individuals affected with LAMB3-related conditions. ClinVar contains an entry for this variant (Variation ID: 1918600). For these reasons, this variant has been classified as Pathogenic.

Literature cited by the submitters: PubMed 11023379; PubMed 16473856.

NM_000228.3(LAMB3):c.155del (p.Pro52fs)

Gene: LAMB3 (laminin subunit beta 3; minus strand). Cytogenetic location: 1q32.2.
Variant type: Deletion.
Coding change: c.155del on transcript NM_000228.3 (MANE Select); coding-DNA position 155, one base deleted (C; older notation c.155delC).
Protein change: p.Pro52fs; shifts the reading frame from proline 52.
Molecular consequence: frameshift variant.
Genome position (GRCh38, 1-based): chr1:209,649,992, G deleted on the plus strand (C on the coding strand, the reverse complement: LAMB3 is on the minus strand); the first of 2 consecutive G bases (chr1:209,649,992-209,649,993); deleting either gives the same sequence. VCF-style (leftmost placement, unchanged base first): chr1-209649991-AG-A. GRCh37 (hg19) VCF-style: chr1-209823336-AG-A.
Other names: c.155del, p.Pro52fs (NM_001017402.2, NM_001127641.1); short protein forms P52fs.
Identifiers: ClinVar variation 1918600 (VCV001918600.5), dbSNP rs2076550971, ClinGen allele CA2484309336.